The following is an entry in ClinVar:

ClinVar aggregate classification (germline): Pathogenic (1 of 4 stars; one submission).

Conditions:
Holoprosencephaly 2 (HPE2). Identifiers: Orphanet 2162, MedGen C1834877, MONDO:0007999, OMIM 157170.

Submission:

Laboratory of Medical Genetics, National & Kapodistrian University of Athens
Classification: Pathogenic for Holoprosencephaly 2. Last evaluated: 2021-10-01. Review status: criteria provided, single submitter. Criteria: ACMG Guidelines, 2015. Collection method: clinical testing. Allele origin: de novo. Affected: yes.
Comment: PS2, PM2, PM4, PP4

Literature cited by the submitters: PubMed 34008892.

NM_005413.4(SIX3):c.402_416del (p.Arg135_Ala139del)

Gene: SIX3 (SIX homeobox 3; plus strand). Cytogenetic location: 2p21.
Variant type: Deletion.
Coding change: c.402_416del on transcript NM_005413.4 (MANE Select); coding-DNA positions 402 to 416, 15 bases deleted (GCGCGCCGTGGTCGC).
Protein change: p.Arg135_Ala139del.
Molecular consequence: inframe deletion.
Genome position (GRCh38, 1-based): chr2:44,942,506-44,942,520, GCGCGCCGTGGTCGC deleted; deleting any 15 consecutive bases within chr2:44,942,503-44,942,520 gives the same sequence; the c. name uses the placement nearest the transcript's 3' end. VCF-style (leftmost placement, unchanged base first): chr2-44942502-GCGCGCGCGCCGTGGT-G. GRCh37 (hg19) VCF-style: chr2-45169641-GCGCGCGCGCCGTGGT-G.
Identifiers: ClinVar variation 1299645 (VCV001299645.1), dbSNP rs2103641880, ClinGen allele CA2499215969.